The following is an entry in ClinVar:

ClinVar aggregate classification (germline): Uncertain significance (1 of 4 stars; one submission).

Submission:

Ambry Genetics
Classification: Uncertain significance. Last evaluated: 2025-11-10. Review status: criteria provided, single submitter. Criteria: Ambry Variant Classification Scheme 2023. Collection method: clinical testing. Allele origin: germline.
Comment: The p.A210V variant (also known as c.629C>T), located in coding exon 5 of the RECQL gene, results from a C to T substitution at nucleotide position 629. The alanine at codon 210 is replaced by valine, an amino acid with similar properties. This amino acid position is conserved. In addition, this alteration is predicted to be tolerated by in silico analysis. Since supporting evidence is limited at this time, the clinical significance of this alteration remains unclear.

NM_002907.4(RECQL):c.629C>T (p.Ala210Val)

Gene: RECQL (RecQ like helicase; minus strand). Cytogenetic location: 12p12.1.
Variant type: single nucleotide variant.
Coding change: c.629C>T on transcript NM_002907.4 (MANE Select); coding-DNA position 629, C replaced by T.
Protein change: p.Ala210Val; replaces alanine 210 with valine.
Molecular consequence: missense variant.
Genome position (GRCh38, 1-based): chr12:21,483,447, G>A on the plus strand (C>T on the coding strand, the complement: RECQL is on the minus strand). VCF-style: chr12-21483447-G-A. GRCh37 (hg19) VCF-style: chr12-21636381-G-A.
Other names: c.629C>T, p.Ala210Val (NM_032941.3); short protein forms A210V.
Identifiers: ClinVar variation 2562127 (VCV002562127.3), dbSNP rs2540374924, ClinGen allele CA384127037.
Genomic context (GRCh38, chr12:21,483,447, plus strand): 5'-TCATGTCCCCACTGACTACAGCAGTGAACTTCATCCACAGCAATTCGAGTAAATCTCCTT[G>A]CTTCATAGGCTTTCTCTAGTCTTGACATAAACATTTTGCTTTTTGCAATTTTCTCTGGAG-3'
Protein context (NP_002898.2, residues 200-220): FMSRLEKAYE[Ala210Val]RRFTRIAVDE